The following is an entry in ClinVar:

NM_007294.4(BRCA1):c.117_118del (p.Cys39_Asp40delinsTer)

Gene: BRCA1 (BRCA1 DNA repair associated; minus strand). Cytogenetic location: 17q21.31.
Variant type: Microsatellite.
Coding change: c.117_118del on transcript NM_007294.4 (MANE Select); coding-DNA positions 117 to 118, 2 bases deleted (TG; older notation c.117_118delTG).
Protein change: p.Cys39_Asp40delinsTer.
Molecular consequence: nonsense. On other transcripts: frameshift variant (194), non-coding transcript variant (1), intron variant (1).
Genome position (GRCh38, 1-based): chr17:43,115,742-43,115,743, CA deleted on the plus strand (TG on the coding strand, the reverse complement: BRCA1 is on the minus strand); deleting any 2 consecutive bases within chr17:43,115,742-43,115,746 gives the same sequence; the c. name uses the placement nearest the transcript's 3' end. VCF-style (leftmost placement, unchanged base first): chr17-43115741-TCA-T. GRCh37 (hg19) VCF-style: chr17-41267758-TCA-T.
Other names: 236delTG; c.117_118delTG (NM_007294.3); c.-75_-74GT[1] (NM_001407571.1, NM_001407853.1, NM_001407879.1 and 52 more transcripts); c.114_115GT[1], p.Cys39Terfs (NM_001407581.1, NM_001407582.1, NM_001407583.1 and 190 more transcripts); c.-144_-143GT[1] (NM_001407694.1, NM_001407696.1, NM_001407724.1 and 13 more transcripts); c.-148_-147GT[1] (NM_001407695.1, NM_001408465.1); c.-28_-27GT[1] (NM_001407697.1, NM_001407725.1, NM_001407728.1 and 47 more transcripts); c.-24_-23GT[1] (NM_001407841.1); and 5 more.
Identifiers: ClinVar variation 54157 (VCV000054157.29), dbSNP rs80357972, ClinGen allele CA000774.

ClinVar aggregate classification (germline): Pathogenic. Review status: reviewed by expert panel (3 of 4 stars). 14 submissions from 14 submitters: Pathogenic (1). 13 of the submissions do not count toward it. Last evaluated 2016-09-08.

Conditions:
BRCA1-related cancer predisposition. Identifiers: MedGen CN377757, MONDO:0700268.
Breast and/or ovarian cancer. Identifiers: MedGen CN221562.
Hereditary cancer-predisposing syndrome. Also called: Hereditary Cancer Syndrome; Neoplastic Syndromes, Hereditary; Hereditary neoplastic syndrome; Tumor predisposition. Identifiers: Orphanet 140162, MedGen C0027672, MeSH D009386, MONDO:0015356.
Hereditary breast ovarian cancer syndrome. Also called: Breast and ovarian cancer; Hereditary breast and ovarian cancer syndrome; Hereditary breast and ovarian cancer syndrome (HBOC); BRCA1- and BRCA2-Associated Hereditary Breast and Ovarian Cancer; Hereditary breast and ovarian cancer; Hereditary breast and/or ovarian cancer syndrome. Identifiers: Orphanet 145, MedGen C0677776, MeSH D061325, MONDO:0003582. Disease mechanism: loss of function.
Breast-ovarian cancer, familial, susceptibility to, 1 (BROVCA1). Also called: BRCA1 Hereditary Breast and Ovarian Cancer; OVARIAN CANCER, SUSCEPTIBILITY TO. Identifiers: Orphanet 145, MedGen C2676676, MONDO:0011450, OMIM 604370. Disease mechanism: loss of function.

Submissions (14):

Evidence-based Network for the Interpretation of Germline Mutant Alleles (ENIGMA)
Classification: Pathogenic for Breast-ovarian cancer, familial, susceptibility to, 1. Last evaluated: 2016-09-08. Review status: reviewed by expert panel. Criteria: ENIGMA BRCA1/2 Classification Criteria (2015). Collection method: curation. Allele origin: germline.
Comment: Variant allele predicted to encode a truncated non-functional protein.

Hema, HEMA – Genetic and Molecular Diagnostic Laboratory
Classification: Pathogenic for BRCA1-related cancer predisposition. Last evaluated: 2026-09-14. Review status: criteria provided, single submitter. Criteria: HEMA Variant Classification Assertion Criteria. Collection method: clinical testing. Allele origin: germline. Not counted in ClinVar's aggregate classification.
Comment: The variant c.117_118del p.(Cys39Ter) is a two-nucleotide deletion that results in a premature stop codon in BRCA1. PVS1: Null variant (frameshift variant) in a gene for which loss of function is a known disease mechanism. The variant c.117_118del p.(Cys39Ter) in the BRCA1 gene is a frameshift variant that introduces a premature stop codon in exon 3/23, which is predicted to result in nonsense-mediated decay (NMD) of the transcript. PM2_Supporting: Absent in gnomAD. PM5_Strong: Variant that introduces a premature stop codon in exon 3 of BRCA1.

Labcorp Genetics (formerly Invitae), Labcorp
Classification: Pathogenic for Hereditary breast ovarian cancer syndrome. Last evaluated: 2025-12-14. Review status: criteria provided, single submitter. Criteria: Invitae Variant Classification Sherloc (09022015). Collection method: clinical testing. Allele origin: germline. Not counted in ClinVar's aggregate classification.
Comment: This sequence change creates a premature translational stop signal (p.Cys39*) in the BRCA1 gene. It is expected to result in an absent or disrupted protein product. Loss-of-function variants in BRCA1 are known to be pathogenic (PMID: 20104584). This variant is not present in population databases (gnomAD no frequency). This premature translational stop signal has been observed in individual(s) with breast and/or ovarian cancer (PMID: 10755399, 27062684). This variant is also known as 236delAG, 39delTG. For these reasons, this variant has been classified as Pathogenic.

Baylor Genetics
Classification: Pathogenic for Breast-ovarian cancer, familial, susceptibility to, 1. Last evaluated: 2023-02-16. Review status: criteria provided, single submitter. Criteria: ACMG Guidelines, 2015. Collection method: clinical testing. Allele origin: unknown. Not counted in ClinVar's aggregate classification.

Clinical Genetics Laboratory, Skane University Hospital Lund
Classification: Pathogenic. Last evaluated: 2022-12-05. Review status: criteria provided, single submitter. Criteria: ACMG Guidelines, 2015. Collection method: clinical testing. Allele origin: germline. Affected: yes. Not counted in ClinVar's aggregate classification.

Quest Diagnostics Nichols Institute San Juan Capistrano
Classification: Pathogenic. Last evaluated: 2022-09-15. Review status: criteria provided, single submitter. Criteria: Quest Diagnostics criteria. Collection method: clinical testing. Allele origin: unknown. Not counted in ClinVar's aggregate classification.
Comment: This frameshift variant alters the translational reading frame of the BRCA1 mRNA and causes the premature termination of BRCA1 protein synthesis. This variant has not been reported in large, multi-ethnic general populations. In the published literature, the variant has been reported in individuals with breast and/or ovarian cancer (PMIDs: 10755399 (2000), 2706268 (2016), 28888541 (2017), and 29446198 (2018)). Based on the available information, this variant is classified as pathogenic.

Ambry Genetics
Classification: Pathogenic for Hereditary cancer-predisposing syndrome. Last evaluated: 2021-12-14. Review status: criteria provided, single submitter. Criteria: Ambry Variant Classification Scheme 2023. Collection method: clinical testing. Allele origin: germline. Not counted in ClinVar's aggregate classification.
Comment: The c.117_118delTG pathogenic mutation, located in coding exon 2 of the BRCA1 gene, results from a deletion of two nucleotides at nucleotide positions 117 to 118, causing a translational frameshift with a predicted alternate stop codon (p.C39*). This alteration has been reported as a pathogenic mutation in multiple individuals from large cohorts of BRCA1/2 mutation carriers (Azzollini J et al. Eur. J. Intern. Med., 2016 Jul;32:65-71; Rebbeck TR et al. Hum. Mutat., 2018 May;39:593-620). This variant is considered to be rare based on population cohorts in the Genome Aggregation Database (gnomAD). In addition to the clinical data presented in the literature, this alteration is expected to result in loss of function by premature protein truncation or nonsense-mediated mRNA decay. As such, this alteration is interpreted as a disease-causing mutation.

CHEO Genetics Diagnostic Laboratory, Children's Hospital of Eastern Ontario
Classification: Pathogenic for Breast and/or ovarian cancer. Last evaluated: 2021-06-24. Review status: criteria provided, single submitter. Criteria: ACMG Guidelines, 2015. Collection method: clinical testing. Allele origin: germline. Not counted in ClinVar's aggregate classification.

Color Diagnostics, LLC DBA Color Health
Classification: Pathogenic for Hereditary cancer-predisposing syndrome. Last evaluated: 2021-03-08. Review status: criteria provided, single submitter. Criteria: ACMG Guidelines, 2015. Collection method: clinical testing. Allele origin: germline. Not counted in ClinVar's aggregate classification.
Comment: This variant deletes 2 nucleotides in exon 3 of the BRCA1 gene, creating a frameshift and premature translation stop signal. This variant is expected to result in an absent or non-functional protein product. This variant has been reported in at least four suspected hereditary breast and ovarian cancer families (PMID: 10755399, 16760289, 27062684, 29446198). This variant has not been identified in the general population by the Genome Aggregation Database (gnomAD). Loss of BRCA1 function is a known mechanism of disease. Based on the available evidence, this variant is classified as Pathogenic.

GeneDx
Classification: Pathogenic. Last evaluated: 2020-11-06. Review status: criteria provided, single submitter. Criteria: GeneDx Variant Classification Process June 2021. Collection method: clinical testing. Allele origin: germline. Affected: yes. Not counted in ClinVar's aggregate classification.
Comment: Nonsense variant predicted to result in protein truncation or nonsense mediated decay in a gene for which loss-of-function is a known mechanism of disease; Not observed in large population cohorts (Lek 2016); Truncating variants in this gene are considered pathogenic by a well-established clinical consortium and/or database; Also known as c.236_237delTG and c.236delTG; Observed in individuals with BRCA1-related cancers (Osorio 2000, Diez 2003, Capalbo 2006, Azzollini 2016, Franzese 2019); This variant is associated with the following publications: (PMID: 16760289, 18528753, 12955716, 28392550, 27062684, 10755399, 31850198)

Consortium of Investigators of Modifiers of BRCA1/2 (CIMBA), c/o University of Cambridge
Classification: Pathogenic for Breast-ovarian cancer, familial, susceptibility to, 1. Last evaluated: 2015-10-02. Review status: criteria provided, single submitter. Criteria: CIMBA Mutation Classification guidelines May 2016. Collection method: clinical testing. Allele origin: germline. Not counted in ClinVar's aggregate classification.

Sharing Clinical Reports Project (SCRP)
Classification: Pathogenic for Breast-ovarian cancer, familial 1. Last evaluated: 2010-06-28. Review status: no assertion criteria provided. Collection method: clinical testing. Allele origin: germline. Not counted in ClinVar's aggregate classification.

Foulkes Cancer Genetics LDI, Lady Davis Institute for Medical Research
Classification: Pathogenic for Breast and/or ovarian cancer. Last evaluated: 2009-07-08. Review status: no assertion criteria provided. Collection method: clinical testing. Allele origin: germline. Study: The Canadian Open Genetics Repository (COGR). Not counted in ClinVar's aggregate classification.

Breast Cancer Information Core (BIC) (BRCA1)
Classification: Pathogenic for Breast-ovarian cancer, familial 1. Last evaluated: 2002-05-29. Review status: no assertion criteria provided. Collection method: clinical testing. Allele origin: germline. Affected: yes. Observed: 3 variant alleles. Not counted in ClinVar's aggregate classification.

Literature cited by the submitters: PubMed 20104584 (cited by Labcorp Genetics (formerly Invitae), Labcorp); PubMed 10755399 (cited by Labcorp Genetics (formerly Invitae), Labcorp and Quest Diagnostics Nichols Institute San Juan Capistrano); PubMed 27062684 (cited by 3 submitters); PubMed 29446198 (cited by Quest Diagnostics Nichols Institute San Juan Capistrano and Ambry Genetics); PubMed 28888541 (cited by Quest Diagnostics Nichols Institute San Juan Capistrano).